The following is an entry in ClinVar:

NM_001985.3(ETFB):c.471G>A (p.Gly157=)

Gene: ETFB (electron transfer flavoprotein subunit beta; minus strand). Cytogenetic location: 19q13.41.
Variant type: single nucleotide variant.
Coding change: c.471G>A on transcript NM_001985.3 (MANE Select); coding-DNA position 471, G replaced by A.
Protein change: p.Gly157=; no amino-acid change (glycine 157 retained).
Molecular consequence: synonymous variant.
Genome position (GRCh38, 1-based): chr19:51,347,026, C>T on the plus strand (G>A on the coding strand, the complement: ETFB is on the minus strand). VCF-style: chr19-51347026-C-T. GRCh37 (hg19) VCF-style: chr19-51850280-C-T.
Other names: c.744G>A, p.Gly248= (NM_001014763.1).
Identifiers: ClinVar variation 508382 (VCV000508382.1), dbSNP rs765846018, ClinGen allele CA309728479.

ClinVar aggregate classification (germline): Likely benign (1 of 4 stars; one submission).

Allele frequency attached by ClinVar (database versions not stated): gnomAD exomes 0.00001.
gnomAD v4.1: 12 of 1,613,674 alleles (0.00074%); highest among the groups gnomAD compares: East Asian, 0.0022%; no homozygotes.

Submission:

GeneDx
Classification: Likely benign. Last evaluated: 2017-03-31. Review status: criteria provided, single submitter. Criteria: GeneDx Variant Classification (06012015). Collection method: clinical testing. Allele origin: germline. Affected: yes.
Comment: This variant is considered likely benign or benign based on one or more of the following criteria: it is a conservative change, it occurs at a poorly conserved position in the protein, it is predicted to be benign by multiple in silico algorithms, and/or has population frequency not consistent with disease.